The following is an entry in ClinVar:

NM_022132.5(MCCC2):c.295G>A (p.Glu99Lys)

Gene: MCCC2 (methylcrotonyl-CoA carboxylase subunit 2; plus strand). Cytogenetic location: 5q13.2.
Variant type: single nucleotide variant.
Coding change: c.295G>A on transcript NM_022132.5 (MANE Select); coding-DNA position 295, G replaced by A.
Protein change: p.Glu99Lys; replaces glutamic acid 99 with lysine.
Molecular consequence: missense variant.
Genome position (GRCh38, 1-based): chr5:71,599,672, G>A. VCF-style: chr5-71599672-G-A. GRCh37 (hg19) VCF-style: chr5-70895499-G-A.
Other names: c.295G>A, p.Glu99Lys (NM_001363147.1); short protein forms E99K.
Identifiers: ClinVar variation 467806 (VCV000467806.8), dbSNP rs119103219, ClinGen allele CA360007992.

ClinVar aggregate classification (germline): Uncertain significance (1 of 4 stars; one submission).

Conditions:
3-methylcrotonyl-CoA carboxylase 2 deficiency. Also called: METHYLCROTONYLGLYCINURIA, TYPE II; 3 alpha methylcrotonyl-CoA carboxylase 2 deficiency; 3 alpha methylcrotonylglycinuria 2; MCC 2 deficiency; Methylcrotonylglycinuria type 2. Identifiers: Orphanet 6, MedGen C1859499, MONDO:0008862, OMIM 210210.

Submission:

Labcorp Genetics (formerly Invitae), Labcorp
Classification: Uncertain significance for 3-methylcrotonyl-CoA carboxylase 2 deficiency. Last evaluated: 2018-03-02. Review status: criteria provided, single submitter. Criteria: Invitae Variant Classification Sherloc (09022015). Collection method: clinical testing. Allele origin: germline.
Comment: In summary, the available evidence is currently insufficient to determine the role of this variant in disease. Therefore, it has been classified as a Variant of Uncertain Significance. This sequence change replaces glutamic acid with lysine at codon 99 of the MCCC2 protein (p.Glu99Lys). The glutamic acid residue is highly conserved and there is a small physicochemical difference between glutamic acid and lysine. This variant is not present in population databases (ExAC no frequency). This variant has not been reported in the literature in individuals with MCCC2-related disease. Algorithms developed to predict the effect of missense changes on protein structure and function do not agree on the potential impact of this missense change (SIFT: "Deleterious"; PolyPhen-2: "Probably Damaging"; Align-GVGD: "Class C0"). A different missense substitution at this codon (p.Glu99Gln) has been reported in individuals affected with 3MCC deficiency (PMID: 16010683, 11181649).

Literature cited by the submitters: PubMed 16010683; PubMed 11181649.